The following is an entry in ClinVar:

ClinVar aggregate classification (germline): Uncertain significance. Review status: criteria provided, multiple submitters, no conflicts (2 of 4 stars). 3 submissions from 3 submitters: Uncertain significance (3). Last evaluated 2024-07-01.

Allele frequency attached by ClinVar (database versions not stated): ExAC 0.00004; TOPMed 0.00008; gnomAD 0.00006 and 0.00007; gnomAD exomes 0.00006.

Submissions (3):

CeGaT Center for Human Genetics Tuebingen
Classification: Uncertain significance. Last evaluated: 2024-07-01. Review status: criteria provided, single submitter. Criteria: CeGaT Center For Human Genetics Tuebingen Variant Classification Criteria Version 2. Collection method: clinical testing. Allele origin: germline. Affected: yes. Observed: 1 variant allele.
Comment: WASHC4: PM2:Supporting

Ambry Genetics
Classification: Uncertain significance. Last evaluated: 2024-05-24. Review status: criteria provided, single submitter. Criteria: Ambry Variant Classification Scheme 2023. Collection method: clinical testing. Allele origin: germline.

Genetic Services Laboratory, University of Chicago
Classification: Uncertain significance. Last evaluated: 2017-04-07. Review status: criteria provided, single submitter. Criteria: ACMG Guidelines, 2015. Collection method: clinical testing. Allele origin: germline. Affected: no.

NM_015275.3(WASHC4):c.1913G>A (p.Arg638His)

Gene: WASHC4 (WASH complex subunit 4; plus strand). Cytogenetic location: 12q23.3.
Variant type: single nucleotide variant.
Coding change: c.1913G>A on transcript NM_015275.3 (MANE Select); coding-DNA position 1913, G replaced by A.
Protein change: p.Arg638His; replaces arginine 638 with histidine.
Molecular consequence: missense variant.
Genome position (GRCh38, 1-based): chr12:105,143,146, G>A. VCF-style: chr12-105143146-G-A. GRCh37 (hg19) VCF-style: chr12-105536924-G-A.
Other names: c.1913G>A (NM_015275.1); c.1916G>A, p.Arg639His (NM_001293640.2); short protein forms R638H, R639H.
Identifiers: ClinVar variation 435584 (VCV000435584.24), dbSNP rs374704979, ClinGen allele CA6758755.